The following is an entry in ClinVar:

ClinVar aggregate classification (germline): Uncertain significance (1 of 4 stars; one submission).

Allele frequency attached by ClinVar (database versions not stated): gnomAD 0.00001; TOPMed 0.00003.
gnomAD v4.1: 2 of 1,611,256 alleles (0.00012%); highest among the groups gnomAD compares: African/African-American, 0.0013%; no homozygotes.

Submission:

Labcorp Genetics (formerly Invitae), Labcorp
Classification: Uncertain significance. Last evaluated: 2022-04-20. Review status: criteria provided, single submitter. Criteria: Invitae Variant Classification Sherloc (09022015). Collection method: clinical testing. Allele origin: germline.
Comment: In summary, the available evidence is currently insufficient to determine the role of this variant in disease. Therefore, it has been classified as a Variant of Uncertain Significance. This sequence change replaces glutamic acid, which is acidic and polar, with alanine, which is neutral and non-polar, at codon 418 of the IARS2 protein (p.Glu418Ala). This variant is not present in population databases (gnomAD no frequency). This variant has not been reported in the literature in individuals affected with IARS2-related conditions. Algorithms developed to predict the effect of missense changes on protein structure and function are either unavailable or do not agree on the potential impact of this missense change (SIFT: "Tolerated"; PolyPhen-2: "Probably Damaging"; Align-GVGD: "Class C0").

NM_018060.4(IARS2):c.1253A>C (p.Glu418Ala)

Gene: IARS2 (isoleucyl-tRNA synthetase 2, mitochondrial; plus strand). Cytogenetic location: 1q41.
Variant type: single nucleotide variant.
Coding change: c.1253A>C on transcript NM_018060.4 (MANE Select); coding-DNA position 1253, A replaced by C.
Protein change: p.Glu418Ala; replaces glutamic acid 418 with alanine.
Molecular consequence: missense variant.
Genome position (GRCh38, 1-based): chr1:220,107,077, A>C. VCF-style: chr1-220107077-A-C. GRCh37 (hg19) VCF-style: chr1-220280419-A-C.
Other names: short protein forms E418A.
Identifiers: ClinVar variation 2097229 (VCV002097229.4), dbSNP rs1426722591, ClinGen allele CA344631843.